The following is an entry in ClinVar:

NM_002878.4(RAD51D):c.695G>T (p.Arg232Leu)

Genes: RAD51L3-RFFL (RAD51L3-RFFL readthrough; minus strand), RAD51D (RAD51 paralog D; minus strand). Cytogenetic location: 17q12.
Variant type: single nucleotide variant.
Coding change: c.695G>T on transcript NM_002878.4 (MANE Select); coding-DNA position 695, G replaced by T.
Protein change: p.Arg232Leu; replaces arginine 232 with leucine.
Molecular consequence: missense variant. On other transcripts: non-coding transcript variant (3).
Genome position (GRCh38, 1-based): chr17:35,103,297, C>A on the plus strand (G>T on the coding strand, the complement: RAD51D is on the minus strand). VCF-style: chr17-35103297-C-A. GRCh37 (hg19) VCF-style: chr17-33430316-C-A.
Other names: c.755G>T, p.Arg252Leu (NM_001142571.2); c.359G>T, p.Arg120Leu (NM_133629.3); short protein forms R232L, R252L, R120L.
Identifiers: ClinVar variation 826728 (VCV000826728.8), dbSNP rs28363283, ClinGen allele CA399087660.

ClinVar aggregate classification (germline): Uncertain significance. Review status: criteria provided, multiple submitters, no conflicts (2 of 4 stars). 2 submissions from 2 submitters: Uncertain significance (2). Last evaluated 2024-10-17.

Conditions:
Hereditary cancer-predisposing syndrome. Also called: Neoplastic Syndromes, Hereditary; Tumor predisposition; Hereditary neoplastic syndrome; Hereditary Cancer Syndrome. Identifiers: Orphanet 140162, MedGen C0027672, MeSH D009386, MONDO:0015356.
Breast-ovarian cancer, familial, susceptibility to, 4. Identifiers: Orphanet 145, MedGen C3280345, MONDO:0013669, OMIM 614291.

Submissions (2):

Ambry Genetics
Classification: Uncertain significance for Hereditary cancer-predisposing syndrome. Last evaluated: 2024-10-17. Review status: criteria provided, single submitter. Criteria: Ambry Variant Classification Scheme 2023. Collection method: clinical testing. Allele origin: germline.
Comment: The p.R232L variant (also known as c.695G>T), located in coding exon 8 of the RAD51D gene, results from a G to T substitution at nucleotide position 695. The arginine at codon 232 is replaced by leucine, an amino acid with dissimilar properties. This amino acid position is not well conserved in available vertebrate species. In addition, the in silico prediction for this alteration is inconclusive. Since supporting evidence is limited at this time, the clinical significance of this alteration remains unclear.

Labcorp Genetics (formerly Invitae), Labcorp
Classification: Uncertain significance for Breast-ovarian cancer, familial, susceptibility to, 4. Last evaluated: 2024-09-30. Review status: criteria provided, single submitter. Criteria: Invitae Variant Classification Sherloc (09022015). Collection method: clinical testing. Allele origin: germline.
Comment: This sequence change replaces arginine, which is basic and polar, with leucine, which is neutral and non-polar, at codon 232 of the RAD51D protein (p.Arg232Leu). This variant is not present in population databases (gnomAD no frequency). This variant has not been reported in the literature in individuals affected with RAD51D-related conditions. ClinVar contains an entry for this variant (Variation ID: 826728). Invitae Evidence Modeling of protein sequence and biophysical properties (such as structural, functional, and spatial information, amino acid conservation, physicochemical variation, residue mobility, and thermodynamic stability) indicates that this missense variant is not expected to disrupt RAD51D protein function with a negative predictive value of 80%. In summary, the available evidence is currently insufficient to determine the role of this variant in disease. Therefore, it has been classified as a Variant of Uncertain Significance.